The following is an entry in ClinVar:

ClinVar aggregate classification (germline): Conflicting classifications of pathogenicity. Review status: criteria provided, conflicting classifications (1 of 4 stars). 2 submissions from 2 submitters: Uncertain significance (1); Likely benign (1). Last evaluated 2024-10-26.

Conditions:
3-Methylglutaconic aciduria type 3 (MGCA3). Also called: OPA3, AUTOSOMAL RECESSIVE; OPTIC ATROPHY 3, AUTOSOMAL RECESSIVE; Costeff Syndrome; OPA3-Related 3-Methylglutaconic Aciduria. Identifiers: Orphanet 67047, MedGen C0574084, MONDO:0009787, OMIM 258501.
Optic atrophy 3 (OPA3). Also called: Optic atrophy, cataract, and neurologic disorder; OPTIC ATROPHY 3, AUTOSOMAL DOMINANT; Optic atrophy 3 with cataract. Identifiers: Orphanet 67036, MedGen C1833809, MONDO:0008133, OMIM 165300.

Allele frequency attached by ClinVar (database versions not stated): gnomAD exomes below 0.00001 and 0.00001.
gnomAD v4.1: 5 of 1,597,754 alleles (0.00031%); highest among the groups gnomAD compares: Admixed American, 0.0084%; no homozygotes.

Submissions (2):

Labcorp Genetics (formerly Invitae), Labcorp
Classification: Likely benign for 3-Methylglutaconic aciduria type 3; Optic atrophy 3. Last evaluated: 2024-10-26. Review status: criteria provided, single submitter. Criteria: Invitae Variant Classification Sherloc (09022015). Collection method: clinical testing. Allele origin: germline.

GeneDx
Classification: Uncertain significance. Last evaluated: 2024-04-02. Review status: criteria provided, single submitter. Criteria: GeneDx Variant Classification Process June 2021. Collection method: clinical testing. Allele origin: germline. Affected: yes.
Comment: Has not been previously published as pathogenic or benign to our knowledge; Not observed at significant frequency in large population cohorts (gnomAD); In silico analysis supports that this variant does not alter splicing

NM_025136.4(OPA3):c.143-13T>G

Genes: OPA3 (outer mitochondrial membrane lipid metabolism regulator OPA3; minus strand), OPA3-RTN2 (OPA3-RTN2 readthrough; minus strand). Cytogenetic location: 19q13.32.
Variant type: single nucleotide variant.
Coding change: c.143-13T>G on transcript NM_025136.4 (MANE Select); 13 bases into the intron before coding-DNA position 143, T replaced by G.
Molecular consequence: intron variant.
Genome position (GRCh38, 1-based): chr19:45,553,924, A>C on the plus strand (T>G on the coding strand, the complement: OPA3 is on the minus strand). VCF-style: chr19-45553924-A-C. GRCh37 (hg19) VCF-style: chr19-46057182-A-C.
Other names: c.143-24468T>G (NM_001017989.3).
Identifiers: ClinVar variation 452087 (VCV000452087.10), dbSNP rs1278896715, ClinGen allele CA633481134.